The following is an entry in ClinVar:

ClinVar aggregate classification (germline): Uncertain significance (1 of 4 stars; one submission).

Submission:

Labcorp Genetics (formerly Invitae), Labcorp
Classification: Uncertain significance. Last evaluated: 2023-07-19. Review status: criteria provided, single submitter. Criteria: Invitae Variant Classification Sherloc (09022015). Collection method: clinical testing. Allele origin: germline.
Comment: This sequence change replaces serine, which is neutral and polar, with cysteine, which is neutral and slightly polar, at codon 13 of the TXN2 protein (p.Ser13Cys). In summary, the available evidence is currently insufficient to determine the role of this variant in disease. Therefore, it has been classified as a Variant of Uncertain Significance. An algorithm developed to predict the effect of missense changes on protein structure and function (PolyPhen-2) suggests that this variant is likely to be disruptive. This variant has not been reported in the literature in individuals affected with TXN2-related conditions. This variant is not present in population databases (gnomAD no frequency).

NM_012473.4(TXN2):c.38C>G (p.Ser13Cys)

Gene: TXN2 (thioredoxin 2; minus strand). Cytogenetic location: 22q12.3.
Variant type: single nucleotide variant.
Coding change: c.38C>G on transcript NM_012473.4 (MANE Select); coding-DNA position 38, C replaced by G.
Protein change: p.Ser13Cys; replaces serine 13 with cysteine.
Molecular consequence: missense variant.
Genome position (GRCh38, 1-based): chr22:36,480,800, G>C on the plus strand (C>G on the coding strand, the complement: TXN2 is on the minus strand). VCF-style: chr22-36480800-G-C. GRCh37 (hg19) VCF-style: chr22-36876847-G-C.
Other names: short protein forms S13C.
Identifiers: ClinVar variation 2716836 (VCV002716836.3), dbSNP rs1023266570, ClinGen allele CA411372431.